The following is an entry in ClinVar:

ClinVar aggregate classification (germline): Uncertain significance (1 of 4 stars; one submission).

Allele frequency attached by ClinVar (database versions not stated): TOPMed below 0.00001; gnomAD 0.00001; gnomAD exomes 0.00001; ExAC 0.00002; 1000 Genomes Project 30x 0.00016; 1000 Genomes Project 0.00020.

Submission:

CeGaT Center for Human Genetics Tuebingen
Classification: Uncertain significance. Last evaluated: 2023-10-01. Review status: criteria provided, single submitter. Criteria: CeGaT Center For Human Genetics Tuebingen Variant Classification Criteria Version 2. Collection method: clinical testing. Allele origin: germline. Affected: yes. Observed: 2 variant alleles.
Comment: SHANK3: PM2:Supporting, BP4

NM_001372044.2(SHANK3):c.4657G>A (p.Val1553Met)

Gene: SHANK3 (SH3 and multiple ankyrin repeat domains 3; plus strand). Cytogenetic location: 22q13.33.
Variant type: single nucleotide variant.
Coding change: c.4657G>A on transcript NM_001372044.2 (MANE Select); coding-DNA position 4657, G replaced by A.
Protein change: p.Val1553Met; replaces valine 1553 with methionine.
Molecular consequence: missense variant.
Genome position (GRCh38, 1-based): chr22:50,722,265, G>A. VCF-style: chr22-50722265-G-A. GRCh37 (hg19) VCF-style: chr22-51160693-G-A.
Other names: short protein forms V1553M.
Identifiers: ClinVar variation 871610 (VCV000871610.41), dbSNP rs530777182, ClinGen allele CA10326282.
Genomic context (GRCh38, chr22:50,722,265, plus strand): 5'-GCCGGGCCTGCCCGCCCTCGCTACCTCTTCCAGAGAAGGTCCAAGCTATGGGGGGACCCC[G>A]TGGAGAGCCGGGGGCTCCCTGGGCCTGAAGACGACAAACCAACTGTGATCAGTGAGCTCA-3'
Protein context (NP_001358973.1, residues 1543-1563): QRRSKLWGDP[Val1553Met]ESRGLPGPED